The following is an entry in ClinVar:

NM_001190274.2(FBXO11):c.1714G>A (p.Ala572Thr)

Gene: FBXO11 (F-box protein 11; minus strand). Cytogenetic location: 2p16.3.
Variant type: single nucleotide variant.
Coding change: c.1714G>A on transcript NM_001190274.2 (MANE Select); coding-DNA position 1714, G replaced by A.
Protein change: p.Ala572Thr; replaces alanine 572 with threonine.
Molecular consequence: missense variant.
Genome position (GRCh38, 1-based): chr2:47,820,445, C>T on the plus strand (G>A on the coding strand, the complement: FBXO11 is on the minus strand). VCF-style: chr2-47820445-C-T. GRCh37 (hg19) VCF-style: chr2-48047584-C-T.
Other names: c.1462G>A, p.Ala488Thr (NM_001374325.1, NM_025133.4); short protein forms A488T, A572T.
Identifiers: ClinVar variation 2499232 (VCV002499232.1), dbSNP rs2531072764, ClinGen allele CA346764393.

ClinVar aggregate classification (germline): Uncertain significance (1 of 4 stars; one submission).

Submission:

GeneDx
Classification: Uncertain significance. Last evaluated: 2022-10-15. Review status: criteria provided, single submitter. Criteria: GeneDx Variant Classification Process June 2021. Collection method: clinical testing. Allele origin: germline. Affected: yes.
Comment: Not observed at significant frequency in large population cohorts (gnomAD); In silico analysis supports that this missense variant has a deleterious effect on protein structure/function; Has not been previously published as pathogenic or benign to our knowledge